The following is an entry in ClinVar:

NM_198578.4(LRRK2):c.2352C>A (p.Ser784Arg)

Gene: LRRK2 (leucine rich repeat kinase 2; plus strand). Cytogenetic location: 12q12.
Variant type: single nucleotide variant.
Coding change: c.2352C>A on transcript NM_198578.4 (MANE Select); coding-DNA position 2352, C replaced by A.
Protein change: p.Ser784Arg; replaces serine 784 with arginine.
Molecular consequence: missense variant.
Genome position (GRCh38, 1-based): chr12:40,283,985, C>A. VCF-style: chr12-40283985-C-A. GRCh37 (hg19) VCF-style: chr12-40677787-C-A.
Other names: short protein forms S784R.
Identifiers: ClinVar variation 96730 (VCV000096730.5), dbSNP rs398124660, ClinGen allele CA267237.

ClinVar aggregate classification (germline): Uncertain significance. Review status: criteria provided, single submitter (1 of 4 stars). 2 submissions from 2 submitters: Uncertain significance (1). 1 of the submissions does not count toward it. Last evaluated 2023-04-11.

Conditions:
Autosomal dominant Parkinson disease 8. Also called: LRRK2-Related Parkinson Disease; Parkinson disease 8; Parkinson disease 8, susceptibility to. Identifiers: Orphanet 411602, MedGen C1846862, MONDO:0011764, OMIM 607060.
Parkinson disease, late-onset (PD). Also called: Hereditary late onset Parkinson disease; Susceptibility to Parkinson's Disease; PARKINSON DISEASE, LATE-ONSET, SUSCEPTIBILITY TO. Identifiers: Orphanet 411602, MedGen C3160718, MONDO:0008199, OMIM 168600.

Allele frequency attached by ClinVar (database versions not stated): TOPMed below 0.00001; ExAC 0.00013; gnomAD exomes 0.00008.
gnomAD v4.1: 33 of 1,613,984 alleles (0.002%); highest among the groups gnomAD compares: Non-Finnish European, 0.0026%; no homozygotes.

Submissions (2):

Labcorp Genetics (formerly Invitae), Labcorp
Classification: Uncertain significance for Autosomal dominant Parkinson disease 8. Last evaluated: 2023-04-11. Review status: criteria provided, single submitter. Criteria: Invitae Variant Classification Sherloc (09022015). Collection method: clinical testing. Allele origin: germline.
Comment: This variant is present in population databases (rs398124660, gnomAD 0.02%). In summary, the available evidence is currently insufficient to determine the role of this variant in disease. Therefore, it has been classified as a Variant of Uncertain Significance. Advanced modeling of protein sequence and biophysical properties (such as structural, functional, and spatial information, amino acid conservation, physicochemical variation, residue mobility, and thermodynamic stability) has been performed at Invitae for this missense variant, however the output from this modeling did not meet the statistical confidence thresholds required to predict the impact of this variant on LRRK2 protein function. ClinVar contains an entry for this variant (Variation ID: 96730). This variant has not been reported in the literature in individuals affected with LRRK2-related conditions. This sequence change replaces serine, which is neutral and polar, with arginine, which is basic and polar, at codon 784 of the LRRK2 protein (p.Ser784Arg).

Neurogenetic Laboratory, Oslo University Hospital
Classification: Uncertain significance for Parkinson's disease. Last evaluated: 2014-01-22. Review status: no assertion criteria provided. Collection method: research. Allele origin: unknown. Affected: yes. Not counted in ClinVar's aggregate classification.